The following is an entry in ClinVar:

ClinVar aggregate classification (germline): Uncertain significance. Review status: criteria provided, multiple submitters, no conflicts (2 of 4 stars). 2 submissions from 2 submitters: Uncertain significance (2). Last evaluated 2024-08-05.

Conditions:
Hereditary breast ovarian cancer syndrome. Also called: Hereditary breast and ovarian cancer syndrome; Hereditary breast and ovarian cancer; Hereditary breast and ovarian cancer syndrome (HBOC); Breast and ovarian cancer; Hereditary breast and/or ovarian cancer syndrome; BRCA1- and BRCA2-Associated Hereditary Breast and Ovarian Cancer. Identifiers: Orphanet 145, MedGen C0677776, MeSH D061325, MONDO:0003582. Disease mechanism: loss of function.
Hereditary cancer-predisposing syndrome. Also called: Neoplastic Syndromes, Hereditary; Tumor predisposition; Hereditary neoplastic syndrome; Hereditary Cancer Syndrome. Identifiers: Orphanet 140162, MedGen C0027672, MeSH D009386, MONDO:0015356.

Submissions (2):

Labcorp Genetics (formerly Invitae), Labcorp
Classification: Uncertain significance for Hereditary breast ovarian cancer syndrome. Last evaluated: 2024-08-05. Review status: criteria provided, single submitter. Criteria: Invitae Variant Classification Sherloc (09022015). Collection method: clinical testing. Allele origin: germline.
Comment: This sequence change replaces serine, which is neutral and polar, with glycine, which is neutral and non-polar, at codon 1434 of the BRCA1 protein (p.Ser1434Gly). This variant is not present in population databases (gnomAD no frequency). This variant has not been reported in the literature in individuals affected with BRCA1-related conditions. ClinVar contains an entry for this variant (Variation ID: 824773). Advanced modeling of protein sequence and biophysical properties (such as structural, functional, and spatial information, amino acid conservation, physicochemical variation, residue mobility, and thermodynamic stability) performed at Invitae indicates that this missense variant is not expected to disrupt BRCA1 protein function with a negative predictive value of 95%. Algorithms developed to predict the effect of sequence changes on RNA splicing suggest that this variant may create or strengthen a splice site. In summary, the available evidence is currently insufficient to determine the role of this variant in disease. Therefore, it has been classified as a Variant of Uncertain Significance.

Ambry Genetics
Classification: Uncertain significance for Hereditary cancer-predisposing syndrome. Last evaluated: 2018-02-06. Review status: criteria provided, single submitter. Criteria: Ambry Variant Classification Scheme 2023. Collection method: clinical testing. Allele origin: germline.
Comment: The p.S1434G variant (also known as c.4300A>G), located in coding exon 11 of the BRCA1 gene, results from an A to G substitution at nucleotide position 4300. The serine at codon 1434 is replaced by glycine, an amino acid with similar properties. This amino acid position is poorly conserved in available vertebrate species. Based on two different splice site prediction tools, this alteration is expected to create a new alternate splice acceptor site; however experimental evidence is not currently available. In addition, this alteration is predicted to be tolerated by in silico analysis. Since supporting evidence is limited at this time, the clinical significance of this alteration remains unclear.

NM_007294.4(BRCA1):c.4300A>G (p.Ser1434Gly)

Gene: BRCA1 (BRCA1 DNA repair associated; minus strand). Cytogenetic location: 17q21.31.
Variant type: single nucleotide variant.
Coding change: c.4300A>G on transcript NM_007294.4 (MANE Select); coding-DNA position 4300, A replaced by G.
Protein change: p.Ser1434Gly; replaces serine 1434 with glycine.
Molecular consequence: missense variant. On other transcripts: non-coding transcript variant (1).
Genome position (GRCh38, 1-based): chr17:43,082,461, T>C on the plus strand (A>G on the coding strand, the complement: BRCA1 is on the minus strand). VCF-style: chr17-43082461-T-C. GRCh37 (hg19) VCF-style: chr17-41234478-T-C.
Other names: c.868A>G, p.Ser290Gly (NM_001408436.1, NM_001408437.1, NM_001408438.1 and 8 more transcripts); c.865A>G, p.Ser289Gly (NM_001408441.1, NM_001408442.1, NM_001408443.1 and 10 more transcripts); c.856A>G, p.Ser286Gly (NM_001408451.1); c.850A>G, p.Ser284Gly (NM_001408452.1, NM_001408453.1, NM_001408454.1 and 8 more transcripts); c.847A>G, p.Ser283Gly (NM_001408462.1, NM_001408463.1, NM_001408464.1 and 5 more transcripts); c.844A>G, p.Ser282Gly (NM_001408470.1); c.988A>G, p.Ser330Gly (NM_001408472.1, NM_001408473.1, NM_001407972.1 and 18 more transcripts); c.790A>G, p.Ser264Gly (NM_001408474.1, NM_001408476.1); and 51 more; short protein forms S1387G, S1434G, S331G, S1138G, S1307G, S1321G, S1364G, S1385G.
Identifiers: ClinVar variation 824773 (VCV000824773.10), dbSNP rs1597847911, ClinGen allele CA10593122.